The following is an entry in ClinVar:

ClinVar aggregate classification (germline): Uncertain significance (1 of 4 stars; one submission).

gnomAD v4.1: 1 of 1,613,916 alleles (0.000062%); highest among the groups gnomAD compares: African/African-American, 0.0013%; no homozygotes.

Submission:

GeneDx
Classification: Uncertain significance. Last evaluated: 2026-03-11. Review status: criteria provided, single submitter. Criteria: GeneDx Variant Classification Process June 2021. Collection method: clinical testing. Allele origin: germline.
Comment: Not observed at significant frequency in large population cohorts (gnomAD); In silico analysis supports that this missense variant has a deleterious effect on protein structure/function; Has not been previously published as pathogenic or benign to our knowledge

NM_002397.5(MEF2C):c.1211C>G (p.Thr404Ser)

Genes: MEF2C (myocyte enhancer factor 2C; minus strand), MEF2C-AS2 (MEF2C antisense RNA 2; plus strand). Cytogenetic location: 5q14.3.
Variant type: single nucleotide variant.
Coding change: c.1211C>G on transcript NM_002397.5 (MANE Select); coding-DNA position 1211, C replaced by G.
Protein change: p.Thr404Ser; replaces threonine 404 with serine.
Molecular consequence: missense variant. On other transcripts: non-coding transcript variant (1).
Genome position (GRCh38, 1-based): chr5:88,722,815, G>C on the plus strand (C>G on the coding strand, the complement: MEF2C is on the minus strand). VCF-style: chr5-88722815-G-C. GRCh37 (hg19) VCF-style: chr5-88018632-G-C.
Other names: c.1181C>G, p.Thr394Ser (NM_001131005.2); c.1241C>G, p.Thr414Ser (NM_001193347.1); c.1043C>G, p.Thr348Ser (NM_001193348.1); c.971C>G, p.Thr324Ser (NM_001193349.3, NM_001364332.2); c.1211C>G, p.Thr404Ser (NM_001193350.2, NM_001364329.2, NM_001364330.2 and 1 more transcripts); c.1187C>G, p.Thr396Ser (NM_001308002.3, NM_001364333.2); c.1115C>G, p.Thr372Ser (NM_001363581.2, NM_001364334.2, NM_001364335.2 and 2 more transcripts); c.1145C>G, p.Thr382Ser (NM_001364338.2); and 10 more; short protein forms H323Q, H361Q, H363Q, T278S, T348S, T246S, T362S, T396S.
Identifiers: ClinVar variation 5009046 (VCV005009046.1).